The following is an entry in ClinVar:

NM_004519.4(KCNQ3):c.2567C>T (p.Thr856Ile)

Gene: KCNQ3 (potassium voltage-gated channel subfamily Q member 3; minus strand). Cytogenetic location: 8q24.22.
Variant type: single nucleotide variant.
Coding change: c.2567C>T on transcript NM_004519.4 (MANE Select); coding-DNA position 2567, C replaced by T.
Protein change: p.Thr856Ile; replaces threonine 856 with isoleucine.
Molecular consequence: missense variant.
Genome position (GRCh38, 1-based): chr8:132,129,314, G>A on the plus strand (C>T on the coding strand, the complement: KCNQ3 is on the minus strand). VCF-style: chr8-132129314-G-A. GRCh37 (hg19) VCF-style: chr8-133141561-G-A.
Other names: c.2207C>T, p.Thr736Ile (NM_001204824.2); short protein forms T856I, T736I.
Identifiers: ClinVar variation 373751 (VCV000373751.5), dbSNP rs762078830, ClinGen allele CA4880412.

ClinVar aggregate classification (germline): Uncertain significance. Review status: criteria provided, multiple submitters, no conflicts (2 of 4 stars). 2 submissions from 2 submitters: Uncertain significance (2). Last evaluated 2022-08-04.

Conditions:
Benign neonatal seizures. Also called: Benign familial neonatal seizures; Benign neonatal familial convulsions; Convulsions benign familial neonatal dominant form; Autosomal dominant form of benign neonatal seizures; Benign familial neonatal epilepsy. Identifiers: Orphanet 1949, MedGen C0220669, MONDO:0016027.

Allele frequency attached by ClinVar (database versions not stated): gnomAD exomes 0.00001; TOPMed 0.00001; ExAC 0.00002.
gnomAD v4.1: 3 of 1,614,098 alleles (0.00019%); highest among the groups gnomAD compares: Admixed American, 0.005%; no homozygotes.

Submissions (2):

Labcorp Genetics (formerly Invitae), Labcorp
Classification: Uncertain significance for Benign neonatal seizures. Last evaluated: 2022-08-04. Review status: criteria provided, single submitter. Criteria: Invitae Variant Classification Sherloc (09022015). Collection method: clinical testing. Allele origin: germline.
Comment: In summary, the available evidence is currently insufficient to determine the role of this variant in disease. Therefore, it has been classified as a Variant of Uncertain Significance. Algorithms developed to predict the effect of missense changes on protein structure and function are either unavailable or do not agree on the potential impact of this missense change (SIFT: "Deleterious"; PolyPhen-2: "Probably Damaging"; Align-GVGD: "Class C15"). ClinVar contains an entry for this variant (Variation ID: 373751). This variant has not been reported in the literature in individuals affected with KCNQ3-related conditions. This variant is present in population databases (rs762078830, gnomAD 0.006%). This sequence change replaces threonine, which is neutral and polar, with isoleucine, which is neutral and non-polar, at codon 856 of the KCNQ3 protein (p.Thr856Ile).

GeneDx
Classification: Uncertain significance. Last evaluated: 2016-12-12. Review status: criteria provided, single submitter. Criteria: GeneDx Variant Classification (06012015). Collection method: clinical testing. Allele origin: germline. Affected: yes.
Comment: A variant of uncertain significance has been identified in the KCNQ3 gene. The T856I variant has not been published as a pathogenic variant, nor has it been reported as a benign variant to our knowledge. The T856I variant is not observed at a significant frequency in large population cohorts (Lek et al., 2016; 1000 Genomes Consortium et al., 2015; Exome Variant Server. The T856I variant is a non-conservative amino acid substitution, which is likely to impact secondary protein structure as these residues differ in polarity, charge, size and/or other properties. This substitution occurs at a position that is conserved across species. However, in silico analysis is inconsistent in its predictions as to whether or not the variant is damaging to the protein structure/function. Therefore, based on the currently available information, it is unclear whether this variant is a pathogenic variant or a rare benign variant.